The following is an entry in ClinVar:

ClinVar aggregate classification (germline): Pathogenic. Review status: reviewed by expert panel (3 of 4 stars). 13 submissions from 13 submitters: Pathogenic (1). 12 of the submissions do not count toward it. Last evaluated 2026-06-23.

Conditions:
GALT-related disorder. Also called: GALT-related condition.
Inborn genetic diseases. Identifiers: MedGen C0950123, MeSH D030342.
Galactosemia. Also called: Galactose intolerance. Identifiers: Orphanet 352, MedGen C0016952, MONDO:0018116, HP:0004919. Disease mechanism: loss of function.
Deficiency of UDPglucose-hexose-1-phosphate uridylyltransferase. Also called: Transferase Deficiency Galactosemia; GALACTOSE-1-PHOSPHATE URIDYLYLTRANSFERASE DEFICIENCY; GALACTOSEMIA I; GALT deficiency; Galactosemia, classic. Identifiers: Orphanet 352, Orphanet 79239, MedGen C0268151, MONDO:0009258, OMIM 230400.

Allele frequency attached by ClinVar (database versions not stated): gnomAD exomes 0.00001 and 0.00005; TOPMed 0.00002; ExAC 0.00002.
gnomAD v4.1: 16 of 1,614,104 alleles (0.00099%); highest among the groups gnomAD compares: Admixed American, 0.023%; no homozygotes.

Submissions (13):

Clingen Galactosemia Variant Curation Expert Panel, ClinGen
Classification: Pathogenic for Galactosemia. Last evaluated: 2026-06-23. Review status: reviewed by expert panel. Criteria: ClinGen Galactosemia ACMG Specifications GALT V1.1. Collection method: curation. Allele origin: germline. Inheritance: Autosomal recessive inheritance.
Comment: The c.253-2A>G (NM_000155.4) variant in GALT occurs within the canonical splice acceptor site (-2) of intron 2. It is predicted to cause skipping of exon 3/11, resulting in a frameshift leading to nonsense mediated decay in a gene in which loss-of-function is an established disease mechanism (PVS1; PMIDs: 2940989, 22944367). The filtering allele frequency of the c.253-2A>G variant in GALT is 0.0001408 for Admixed American chromosomes by gnomAD v4.1.0, which is lower than the ClinGen Galactosemia threshold (≤ 0.0005) for PM2_Supporting, and therefore meets this criterion (PM2_Supporting). GALT enzymatic activity in erythrocytes was reduced in both the compound heterozygous and homozygous states, supporting a functional impact of the c.253-2A>G variant (PP4; PMID: 18956253). In this study, the individual in the compound heterozygous state demonstrated enzyme activity consistent with two null alleles, while the homozygous individual exhibited residual activity inconsistent with a complete loss of function. However, this discrepancy is suspected to result from differences in laboratory assay methodology, as internal data demonstrates absent GALT enzyme activity in homozygous and compound heterozygous individuals (Internal lab contributors). In summary, ClinGen Galactosemia VCEP classified the variant as pathogenic based on ACMG/AMP criteria applied, as specified by the ClinGen Galactosemia VCEP: PVS1, PM2_Supporting, PP4 (GALT specifications v1.0.0).

PreventionGenetics, part of Exact Sciences
Classification: Pathogenic for GALT-related condition. Last evaluated: 2025-12-30. Review status: criteria provided, single submitter. Criteria: ACMG Guidelines, 2015. Collection method: clinical testing. Allele origin: germline. Not counted in ClinVar's aggregate classification.
Comment: The GALT c.253-2A>G variant is predicted to disrupt the AG splice acceptor site and interfere with normal splicing. This variant, also referred to in the literature as IVS2-2A>G, has been reported in the biallelic state in individuals with galactosemia (Yang et al. 2001. PubMed ID: 11754113; Velázquez-Aragón et al. 2008. PubMed ID: 18956253). This variant is reported in 0.029% of alleles in individuals of Latino descent in gnomAD. Variants that disrupt the consensus splice acceptor site in GALT are expected to be pathogenic. This variant is interpreted as pathogenic.

Natera, Inc.
Classification: Pathogenic for Galactosemia. Last evaluated: 2025-11-17. Review status: criteria provided, single submitter. Criteria: Natera Variant Classification Schema (03/2026). Collection method: clinical testing. Allele origin: germline. Not counted in ClinVar's aggregate classification.
Comment: The c.253-2A>G variant in GALT is a canonical splice acceptor site variant predicted to affect pre-mRNA splicing, which may result in an abnormal transcript and altered protein product. This variant is expected to result in nonsense mediated decay, truncation, or a dysfunctional protein product. This variant is rare in the general population with a frequency below the threshold expected for the associated phenotype(s). This variant has been observed in one or more individuals affected with the associated recessive disease, as either homozygous or compound heterozygous with a second variant (PMID: 18956253, 22944367). Given the available evidence, this variant is classified as Pathogenic.

Labcorp Genetics (formerly Invitae), Labcorp
Classification: Pathogenic for Deficiency of UDPglucose-hexose-1-phosphate uridylyltransferase. Last evaluated: 2025-11-03. Review status: criteria provided, single submitter. Criteria: Invitae Variant Classification Sherloc (09022015). Collection method: clinical testing. Allele origin: germline. Not counted in ClinVar's aggregate classification.
Comment: This sequence change affects an acceptor splice site in intron 2 of the GALT gene. It is expected to disrupt RNA splicing. Variants that disrupt the donor or acceptor splice site typically lead to a loss of protein function (PMID: 16199547), and loss-of-function variants in GALT are known to be pathogenic (PMID: 22944367). This variant is present in population databases (rs111033661, gnomAD 0.03%). Disruption of this splice site has been observed in individuals with galactosemia (PMID: 11754113, 19375122; internal data). ClinVar contains an entry for this variant (Variation ID: 25142). Algorithms developed to predict the effect of sequence changes on RNA splicing suggest that this variant may disrupt the consensus splice site. For these reasons, this variant has been classified as Pathogenic.

Dasa
Classification: Pathogenic. Last evaluated: 2025-09-18. Review status: criteria provided, single submitter. Criteria: DASA Assertion Criteria. Collection method: clinical testing. Allele origin: germline. Not counted in ClinVar's aggregate classification.
Comment: NM_000155.4(GALT):c.253-2A>G introduces a premature termination codon predicted to result in loss of normal protein function. Loss-of-function is an established mechanism of disease for this gene. This variant has been observed in affected individuals with related phenotype in a genotype context consistent with recessive disease (PMID: 18956253; PMID: 11754113; PMID: 19375122). This variant has been recurrently observed in individuals with related phenotype (PMID: 18956253; PMID: 11754113; PMID: 19375122). The variant is present at low frequency in population datasets. Based on the available data, this variant is classified as pathogenic.

ARUP Laboratories, Molecular Genetics and Genomics, ARUP Laboratories
Classification: Pathogenic for Deficiency of UDPglucose-hexose-1-phosphate uridylyltransferase. Last evaluated: 2024-08-19. Review status: criteria provided, single submitter. Criteria: ARUP Molecular Germline Variant Investigation Process 2024. Collection method: clinical testing. Allele origin: germline. Not counted in ClinVar's aggregate classification.
Comment: The GALT c.253-2A>G variant (rs111033661, ClinVar Variation ID: 25142) is reported homozygous and compound heterozygous in the literature in multiple individuals affected with galactosemia (Velazquez-Aragon 2008, Yang 2002). This variant is found in the Admixed American population with an allele frequency of 0.03% (10/34,592 alleles) in the Genome Aggregation Database (v2.1.1). This variant disrupts the canonical splice acceptor site of intron two, which is likely to negatively impact gene function. Based on available information, this variant is considered to be pathogenic. References: Velazquez-Aragon J et al. Low allelic heterogeneity in a sample of Mexican patients with classical galactosaemia. J Inherit Metab Dis. 2008 Dec;31 Suppl 2:S333-7. PMID: 18956253. Yang YP et al. Molecular analysis in newborns from Texas affected with galactosemia. Hum Mutat. 2002 Jan;19(1):82-3. PMID: 11754113.

Baylor Genetics
Classification: Pathogenic for Deficiency of UDPglucose-hexose-1-phosphate uridylyltransferase. Last evaluated: 2024-03-27. Review status: criteria provided, single submitter. Criteria: ACMG Guidelines, 2015. Collection method: clinical testing. Allele origin: unknown. Not counted in ClinVar's aggregate classification.

Mayo Clinic Laboratories, Mayo Clinic
Classification: Pathogenic. Last evaluated: 2022-11-23. Review status: criteria provided, single submitter. Criteria: ACMG Guidelines, 2015. Collection method: clinical testing. Allele origin: germline. Observed: 7 variant alleles. Not counted in ClinVar's aggregate classification.

Ambry Genetics
Classification: Pathogenic for Inborn genetic diseases. Last evaluated: 2022-05-29. Review status: criteria provided, single submitter. Criteria: Ambry Variant Classification Scheme 2023. Collection method: clinical testing. Allele origin: germline. Not counted in ClinVar's aggregate classification.
Comment: The c.253-2A>G intronic variant results from an A to G substitution two nucleotides before coding exon 3 of the GALT gene. Alterations that disrupt the canonical splice site are expected to cause aberrant splicing, resulting in an abnormal protein or a transcript that is subject to nonsense-mediated mRNA decay. This mutation has been reported in conjunction with a second GALT variant or in the homozygous state in individuals with galactosemia (Yang, 2002; Vel&aacute;zquez-Arag&oacute;n, 2008; Gort, 2009). Based on the available evidence, this alteration is classified as pathogenic.

GeneDx
Classification: Pathogenic. Last evaluated: 2021-01-18. Review status: criteria provided, single submitter. Criteria: GeneDx Variant Classification Process June 2021. Collection method: clinical testing. Allele origin: germline. Affected: yes. Not counted in ClinVar's aggregate classification.
Comment: Reported previously in multiple individuals with galactosemia in both the homozygous and compound heterozygous state (PMID: 11754113, 18956253); Canonical splice site variant predicted to result in a null allele in a gene for which loss-of-function is a known mechanism of disease; This variant is associated with the following publications: (PMID: 24045215, 17884932, 22975760, 25525159, 20301691, 25124065, 22944367, 19375122, 18956253, 17876724, 17079880, 24973740, 27415407, 31980526, 31589614, 11754113)

Myriad Genetics, Inc.
Classification: Pathogenic for Deficiency of UDPglucose-hexose-1-phosphate uridylyltransferase. Last evaluated: 2019-12-04. Review status: criteria provided, single submitter. Criteria: Myriad Women's Health Autosomal Recessive and X-Linked Classification Criteria (2019). Collection method: clinical testing. Allele origin: unknown. Not counted in ClinVar's aggregate classification.
Comment: NM_000155.3(GALT):c.253-2A>G(aka IVS2-2A>G) is classified as pathogenic in the context of galactosemia. Sources cited for classification include the following: PMID 22944367, 18956253, 19375122 and 11754113. Classification of NM_000155.3(GALT):c.253-2A>G(aka IVS2-2A>G) is based on the following criteria: The variant is located at a canonical splice site, is expected to disrupt gene function and is reported in individuals with the relevant phenotype. Please note: this variant was assessed in the context of healthy population screening.

Women's Health and Genetics/Laboratory Corporation of America, LabCorp
Classification: Pathogenic for Deficiency of UDPglucose-hexose-1-phosphate uridylyltransferase. Last evaluated: 2016-06-13. Review status: criteria provided, single submitter. Criteria: LabCorp Variant Classification Summary - May 2015. Collection method: clinical testing. Allele origin: germline. Not counted in ClinVar's aggregate classification.
Comment: Variant summary: The GALT c.253-2A>G variant involves the alteration of a conserved intronic nucleotide. One in silico tool predicts a damaging outcome for this variant. 5/5 splice prediction tools predict a loss of canonical splicing acceptor site and ESEfinder predicts changes to binding motifs for splicing enhancers. This variant was found in 3/121410 control chromosomes at a frequency of 0.0000247, which does not exceed the estimated maximal expected allele frequency of a pathogenic GALT variant (0.0028868). This variant has been reported in multiple affected individuals in both homozygous and compound heterozygous status. One homozygous patient had an erythrocyte GALT activity of one-third of the normal value (Velazquez-Aragon_2008). In addition, multiple clinical diagnostic laboratories/reputable databases classified this variant as pathogenic. Taken together, this variant is classified as pathogenic.

Eurofins Ntd Llc (ga)
Classification: Pathogenic. Last evaluated: 2015-10-23. Review status: criteria provided, single submitter. Criteria: EGL Classification Definitions 2015. Collection method: clinical testing. Allele origin: germline. Observed: 4 variant alleles, 4 heterozygotes. Not counted in ClinVar's aggregate classification.

Literature cited by the submitters: PubMed 18956253 (cited by 5 submitters); PubMed 22944367 (cited by 4 submitters); PubMed 16199547 (cited by Labcorp Genetics (formerly Invitae), Labcorp); PubMed 11754113 (cited by 5 submitters); PubMed 19375122 (cited by 5 submitters); PubMed 25124065 (cited by Women's Health and Genetics/Laboratory Corporation of America, LabCorp); PubMed 17876724 (cited by Women's Health and Genetics/Laboratory Corporation of America, LabCorp); PubMed 17079880 (cited by Women's Health and Genetics/Laboratory Corporation of America, LabCorp); PubMed 24045215 (cited by Women's Health and Genetics/Laboratory Corporation of America, LabCorp); PubMed 17884932 (cited by Women's Health and Genetics/Laboratory Corporation of America, LabCorp).

NM_000155.4(GALT):c.253-2A>G

Gene: GALT (galactose-1-phosphate uridylyltransferase; plus strand). Cytogenetic location: 9p13.3.
Variant type: single nucleotide variant.
Coding change: c.253-2A>G on transcript NM_000155.4 (MANE Select); the canonical splice acceptor site of the intron before coding-DNA position 253, A replaced by G.
Molecular consequence: splice acceptor variant. On other transcripts: intron variant (1).
Genome position (GRCh38, 1-based): chr9:34,647,490, A>G. VCF-style: chr9-34647490-A-G. GRCh37 (hg19) VCF-style: chr9-34647487-A-G.
Other names: c.50+232A>G (NM_001258332.2).
Identifiers: ClinVar variation 25142 (VCV000025142.40), dbSNP rs111033661, ClinGen allele CA312562.